The following is an entry in ClinVar:

ClinVar aggregate classification (germline): Benign/Likely benign. Review status: criteria provided, multiple submitters, no conflicts (2 of 4 stars). 5 submissions from 5 submitters: Benign (2); Likely benign (3). Last evaluated 2026-01-28.

Allele frequency attached by ClinVar (database versions not stated): 1000 Genomes Project 30x 0.00453; 1000 Genomes Project 0.00459; ESP Exome Variant Server 0.00546; TOPMed 0.00570.
gnomAD v4.1: 1,505 of 1,613,832 alleles (0.093%); highest among the groups gnomAD compares: African/African-American, 1.7%; 11 homozygotes.

Submissions (5):

Labcorp Genetics (formerly Invitae), Labcorp
Classification: Benign. Last evaluated: 2026-01-28. Review status: criteria provided, single submitter. Criteria: Invitae Variant Classification Sherloc (09022015). Collection method: clinical testing. Allele origin: germline.

Mayo Clinic Laboratories, Mayo Clinic
Classification: Benign. Last evaluated: 2025-10-03. Review status: criteria provided, single submitter. Criteria: ACMG Guidelines, 2015. Collection method: clinical testing. Allele origin: germline. Observed: 1 variant allele.
Comment: BA1, BS2, BP4_moderate

Center for Pediatric Genomic Medicine, Children's Mercy Hospital and Clinics
Classification: Likely benign. Last evaluated: 2017-08-15. Review status: criteria provided, single submitter. Criteria: ACMG Guidelines, 2015. Collection method: clinical testing. Allele origin: germline.

Genetic Services Laboratory, University of Chicago
Classification: Likely benign. Last evaluated: 2015-11-10. Review status: criteria provided, single submitter. Criteria: ACMG Guidelines, 2015. Collection method: clinical testing. Allele origin: germline. Affected: no.

Breakthrough Genomics
Classification: Likely benign. Review status: criteria provided, single submitter. Criteria: ACMG Guidelines, 2015. Collection method: not provided. Allele origin: germline. Inheritance: Autosomal recessive inheritance. Affected: yes.

Literature cited by the submitters: PubMed 31898847 (cited by Mayo Clinic Laboratories, Mayo Clinic).

NM_000195.5(HPS1):c.848G>C (p.Gly283Ala)

Gene: HPS1 (HPS1 biogenesis of lysosomal organelles complex 3 subunit 1; minus strand). Cytogenetic location: 10q24.2.
Variant type: single nucleotide variant.
Coding change: c.848G>C on transcript NM_000195.5 (MANE Select); coding-DNA position 848, G replaced by C.
Protein change: p.Gly283Ala; replaces glycine 283 with alanine.
Molecular consequence: missense variant. On other transcripts: 5 prime UTR variant (1), intron variant (8).
Genome position (GRCh38, 1-based): chr10:98,429,810, C>G on the plus strand (G>C on the coding strand, the complement: HPS1 is on the minus strand). VCF-style: chr10-98429810-C-G. GRCh37 (hg19) VCF-style: chr10-100189567-C-G.
Other names: p.Gly283Ala; c.848G>C, p.Gly283Ala (NM_001322476.2, NM_001322477.2, NM_182639.4); c.587G>C, p.Gly196Ala (NM_001322480.2, NM_001322481.2); c.479G>C, p.Gly160Ala (NM_001322483.2, NM_001322484.2); c.-125G>C (NM_001322487.2); c.730G>C, p.Gly244Arg (NM_001322490.2); c.769-168G>C (NM_001322478.2, NM_001322479.2, NM_001322491.2); c.400-168G>C (NM_001322485.2); and 3 more; short protein forms G283A, G244R, G160A, G196A.
Identifiers: ClinVar variation 435447 (VCV000435447.19), dbSNP rs74154475, ClinGen allele CA5639259.